The following is an entry in ClinVar:

ClinVar aggregate classification (germline): Uncertain significance (1 of 4 stars; one submission).

Conditions:
Genitopatellar syndrome (GTPTS). Also called: ABSENT PATELLAE, SCROTAL HYPOPLASIA, RENAL ANOMALIES, FACIAL DYSMORPHISM, AND MENTAL RETARDATION; Genitopatellar syndrome (GPS). Identifiers: Orphanet 85201, MedGen C1853566, MONDO:0011640, OMIM 606170.

Submission:

Labcorp Genetics (formerly Invitae), Labcorp
Classification: Uncertain significance for Genitopatellar syndrome. Last evaluated: 2026-01-07. Review status: criteria provided, single submitter. Criteria: Invitae Variant Classification Sherloc (09022015). Collection method: clinical testing. Allele origin: germline.
Comment: This sequence change replaces glutamic acid, which is acidic and polar, with aspartic acid, which is acidic and polar, at codon 710 of the KAT6B protein (p.Glu710Asp). This variant is not present in population databases (gnomAD no frequency). This variant has not been reported in the literature in individuals affected with KAT6B-related conditions. Invitae Evidence Modeling of protein sequence and biophysical properties (such as structural, functional, and spatial information, amino acid conservation, physicochemical variation, residue mobility, and thermodynamic stability) indicates that this missense variant is not expected to disrupt KAT6B protein function with a negative predictive value of 80%. In summary, the available evidence is currently insufficient to determine the role of this variant in disease. Therefore, it has been classified as a Variant of Uncertain Significance.

NM_012330.4(KAT6B):c.2130G>C (p.Glu710Asp)

Gene: KAT6B (lysine acetyltransferase 6B; plus strand). Cytogenetic location: 10q22.2.
Variant type: single nucleotide variant.
Coding change: c.2130G>C on transcript NM_012330.4 (MANE Select); coding-DNA position 2130, G replaced by C.
Protein change: p.Glu710Asp; replaces glutamic acid 710 with aspartic acid.
Molecular consequence: missense variant. On other transcripts: intron variant (2).
Genome position (GRCh38, 1-based): chr10:74,979,238, G>C. VCF-style: chr10-74979238-G-C. GRCh37 (hg19) VCF-style: chr10-76738996-G-C.
Other names: c.1581G>C, p.Glu527Asp (NM_001256468.2, NM_001370138.1); c.1254G>C, p.Glu418Asp (NM_001256469.2, NM_001370132.1, NM_001370139.1 and 3 more transcripts); c.207G>C, p.Glu69Asp (NM_001370134.1); c.2130G>C, p.Glu710Asp (NM_001370136.1, NM_001370137.1); c.1065G>C, p.Glu355Asp (NM_001370143.1, NM_001370144.1); c.846+9463G>C (NM_001370133.1); c.193-9781G>C (NM_001370135.1); short protein forms E355D, E69D, E418D, E527D, E710D.
Identifiers: ClinVar variation 4692038 (VCV004692038.1).